The following is an entry in ClinVar:

NM_000051.4(ATM):c.8767G>A (p.Val2923Ile)

Genes: ATM (ATM serine/threonine kinase; plus strand), C11orf65 (chromosome 11 open reading frame 65; minus strand). Cytogenetic location: 11q22.3.
Variant type: single nucleotide variant.
Coding change: c.8767G>A on transcript NM_000051.4 (MANE Select); coding-DNA position 8767, G replaced by A.
Protein change: p.Val2923Ile; replaces valine 2923 with isoleucine.
Molecular consequence: missense variant. On other transcripts: intron variant (2).
Genome position (GRCh38, 1-based): chr11:108,353,861, G>A. VCF-style: chr11-108353861-G-A. GRCh37 (hg19) VCF-style: chr11-108224588-G-A.
Other names: c.8767G>A, p.Val2923Ile (NM_001351834.2); c.640+32059C>T (NM_001330368.2); c.695-18569C>T (NM_001351110.2); short protein forms V2923I.
Identifiers: ClinVar variation 3652232 (VCV003652232.2).

ClinVar aggregate classification (germline): Uncertain significance (1 of 4 stars; one submission).

Conditions:
Ataxia-telangiectasia syndrome (AT). Also called: Ataxia-telangiectasia, complementation group D; AT, COMPLEMENTATION GROUP C; ATAXIA-TELANGIECTASIA, COMPLEMENTATION GROUP A; ATAXIA-TELANGIECTASIA, FRESNO VARIANT; Ataxia-telangiectasia; Ataxia-telangiectasia, complementation group E. Identifiers: Orphanet 100, MedGen C0004135, MONDO:0008840, OMIM 208900.

Submission:

Labcorp Genetics (formerly Invitae), Labcorp
Classification: Uncertain significance for Ataxia-telangiectasia syndrome. Last evaluated: 2024-05-05. Review status: criteria provided, single submitter. Criteria: Invitae Variant Classification Sherloc (09022015). Collection method: clinical testing. Allele origin: germline.
Comment: This sequence change replaces valine, which is neutral and non-polar, with isoleucine, which is neutral and non-polar, at codon 2923 of the ATM protein (p.Val2923Ile). This variant is not present in population databases (gnomAD no frequency). This variant has not been reported in the literature in individuals affected with ATM-related conditions. An algorithm developed to predict the effect of missense changes on protein structure and function (PolyPhen-2) suggests that this variant is likely to be disruptive. In summary, the available evidence is currently insufficient to determine the role of this variant in disease. Therefore, it has been classified as a Variant of Uncertain Significance.